The following is an entry in ClinVar:

ClinVar aggregate classification (germline): Conflicting classifications of pathogenicity. Review status: criteria provided, conflicting classifications (1 of 4 stars). 8 submissions from 8 submitters: Pathogenic (7); Uncertain significance (1). Last evaluated 2026-10-01.

Conditions:
Achondroplasia (ACH). Also called: Achondroplastic dwarfism. Identifiers: Orphanet 15, MedGen C0001080, MONDO:0007037, OMIM 100800. Disease mechanism: gain of function.
Hypochondroplasia (HCH). Identifiers: Orphanet 429, MedGen C0410529, MONDO:0007793, OMIM 146000. Disease mechanism: gain of function.
Inborn genetic diseases. Identifiers: MedGen C0950123, MeSH D030342.
FGFR3-related disorder. Also called: FGFR3-related disorders.
Skeletal dysplasia. Also called: Primary bone dysplasia. Identifiers: Orphanet 364526, MedGen C0410528, MONDO:0018230, HP:0002652.

Submissions (8):

Department of Clinical Genetics, Aarhus University Hospital
Classification: Pathogenic for Hypochondroplasia. Last evaluated: 2026-10-01. Review status: criteria provided, single submitter. Criteria: ACMG Guidelines, 2015. Collection method: clinical testing. Allele origin: de novo. Inheritance: Autosomal dominant inheritance. Affected: yes.
Comment: The variant was observed de novo. The variant has been associated with hypochondroplasia before (ClinVar and PMID: 34162030 and 38397214). Functional ex vivo assay with CRISPRa-based RNA analysis showed that the variant resulted in an extension of exon 8 with retention of 90 bp and preservation of the reading frame. The variant is interpreted as pathogenic (PS2, PS4_mod, PM2_sup, PM4, PP4).

Genomenon, Inc
Classification: Pathogenic for Hypochondroplasia. Last evaluated: 2026-06-23. Review status: criteria provided, single submitter. Criteria: Genomenon Sequence Variant Interpretation Standards - Updated. Collection method: curation. Allele origin: germline. Affected: yes.
Comment: FGFR3 c.1075+95C>G is an intronic variant located in intron 8. This variant has been observed in at least one proband with hypochondroplasia (PMID:38397214;34162030). A de novo occurrence of this variant has been observed in at least one affected individual (PMID:38397214;34162030). At least one splicing study has demonstrated that this variant results in aberrant splicing (PMID:38397214;34162030). It is absent or not present at a significant frequency in gnomAD. In conclusion, we classify FGFR3 c.1075+95C>G as a pathogenic variant.

Ambry Genetics
Classification: Pathogenic for Inborn genetic diseases. Last evaluated: 2025-11-12. Review status: criteria provided, single submitter. Criteria: Ambry Variant Classification Scheme 2023. Collection method: clinical testing. Allele origin: germline.
Comment: The c.1075+95C>G intronic alteration consists of a C to G substitution 95 nucleotides after Intron 7 (C) in the FGFR3 gene. for autosomal dominant FGFR3-related skeletal disorders; however, its clinical significance for autosomal dominant or recessive CATSHL (camptodactyly, tall stature, scoliosis, and hearing loss) syndrome is uncertain. This variant was not reported in population-based cohorts in the Genome Aggregation Database (gnomAD). This variant was determined to be de novo in at least one individual with features consistent with FGFR3-related skeletal disorders (Xu, 2021; Ouedraogo, 2024). RNA studies have demonstrated that this alteration results in abnormal splicing in the set of samples tested (Xu, 2021; Ouedraogo, 2024). Based on the available evidence, this alteration is classified as pathogenic.

3billion
Classification: Pathogenic for FGFR3-related disorder. Last evaluated: 2025-08-28. Review status: criteria provided, single submitter. Criteria: ACMG Guidelines, 2015. Collection method: clinical testing. Allele origin: germline. Affected: yes.
Comment: The variant is not observed in the gnomAD v4.1.0 dataset. Predicted Consequence/Location: Intron variant Functional studies provide moderate evidence of the variant having a damaging effect on the gene or gene product (PMID: 34162030). In silico tools predict the variant to alter splicing and produce an abnormal transcript [SpliceAI: 0.97 (>=0.2, moderate evidence for spliceogenicity)]. The variant has been previously reported as de novo in a similarly affected individual (PMID: 34162030). The variant has been reported at least twice as pathogenic without evidence for the classification (ClinVar ID: VCV002664079 /PMID: 34162030). Therefore, this variant is classified as Pathogenic according to the recommendation of ACMG/AMP guideline.

GeneDx
Classification: Pathogenic. Last evaluated: 2025-02-04. Review status: criteria provided, single submitter. Criteria: GeneDx Variant Classification Process June 2021. Collection method: clinical testing. Allele origin: germline. Affected: yes.
Comment: RNA studies demonstrate a damaging effect resulting in aberrant splicing (PMID: 34162030); No data available from control populations to assess the frequency of this variant; This variant is associated with the following publications: (PMID: 38397214, 34162030)

Center for Genomics, Ann and Robert H. Lurie Children's Hospital of Chicago
Classification: Pathogenic for Achondroplasia; Hypochondroplasia. Last evaluated: 2022-09-07. Review status: criteria provided, single submitter. Criteria: ACMG Guidelines, 2015. Collection method: clinical testing. Allele origin: de novo. Observed: 1 variant allele.
Comment: This variant has been reported in the literature in 3 individuals with features consistent with hypochondroplasia or achondroplasia; all were determined to be de novo, with maternity and paternity confirmed for at least 2 of them (Xu 2021 PMID: 34162030). This variant is not present in large control databases. This is a deep intronic variant with no predicted change in the amino acid sequence but computational splice prediction tools strongly predict that this variant activates a cryptic splice site 5 nucleotide positions away. A minigene splicing assay demonstrated that this variant does impact splicing by causing retention of 90 nucleotides of the canonical intron 9 in the mRNA transcript, which would result in the in-frame insertion of 30 amino acids in the encoded protein (Xu 2021 PMID: 34162030). In summary, this variant is classified as pathogenic.

Cambridge Genomics Laboratory, East Genomic Laboratory Hub, NHS Genomic Medicine Service
Classification: Pathogenic for Skeletal dysplasia. Last evaluated: 2022-07-20. Review status: criteria provided, single submitter. Criteria: ACGS Best Practice Guidelines for Variant Classification in Rare Disease 2020. Collection method: clinical testing. Allele origin: germline. Affected: yes. Observed: 1 variant allele.

Genetic Laboratory, Lianyungang Maternal and Child Health Hospital Affiliated to Kangda College of Nanjing Medical University
Classification: Uncertain significance for Achondroplasia. Review status: criteria provided, single submitter. Criteria: ACMG Guidelines, 2015. Collection method: research. Allele origin: de novo. Affected: yes.

Literature cited by the submitters: PubMed 38397214 (cited by Genomenon, Inc and Ambry Genetics); PubMed 34162030 (cited by 3 submitters); PubMed 7847369 (cited by Genetic Laboratory, Lianyungang Maternal and Child Health Hospital Affiliated to Kangda College of Nanjing Medical University); PubMed 20301540 (cited by Genetic Laboratory, Lianyungang Maternal and Child Health Hospital Affiliated to Kangda College of Nanjing Medical University).

NM_000142.5(FGFR3):c.1075+95C>G

Gene: FGFR3 (fibroblast growth factor receptor 3; plus strand). Cytogenetic location: 4p16.3.
Variant type: single nucleotide variant.
Coding change: c.1075+95C>G on transcript NM_000142.5 (MANE Select); 95 bases into the intron after coding-DNA position 1075, C replaced by G.
Molecular consequence: intron variant.
Genome position (GRCh38, 1-based): chr4:1,803,931, C>G. VCF-style: chr4-1803931-C-G. GRCh37 (hg19) VCF-style: chr4-1805658-C-G.
Other names: c.1075+95C>G (NM_000142.4, NM_001354809.2, NM_001354810.2); c.1082-399C>G (NM_001163213.2); c.931-893C>G (NM_022965.4).
Identifiers: ClinVar variation 2664079 (VCV002664079.9), dbSNP rs2546818546, ClinGen allele CA2695198360.